The following is an entry in ClinVar:

NM_015346.4(ZFYVE26):c.639G>A (p.Gly213=)

Gene: ZFYVE26 (zinc finger FYVE-type containing 26; minus strand). Cytogenetic location: 14q24.1.
Variant type: single nucleotide variant.
Coding change: c.639G>A on transcript NM_015346.4 (MANE Select); coding-DNA position 639, G replaced by A.
Protein change: p.Gly213=; no amino-acid change (glycine 213 retained).
Molecular consequence: synonymous variant.
Genome position (GRCh38, 1-based): chr14:67,807,645, C>T on the plus strand (G>A on the coding strand, the complement: ZFYVE26 is on the minus strand). VCF-style: chr14-67807645-C-T. GRCh37 (hg19) VCF-style: chr14-68274362-C-T.
Identifiers: ClinVar variation 698319 (VCV000698319.16), dbSNP rs776664801, ClinGen allele CA7240748.
Genomic context (GRCh38, chr14:67,807,645, plus strand): 5'-CCCAAGTGGTTCTGCGGGGCAACGCAGAGTCCGCAGGGCTCCATAGATGGCATCGACTAC[C>T]CCAGGGGGCACCGAATCAGGGCCCTGCAAAGCCCGCAATGCCTTTCGAATGAGGTCCACC-3'
Protein context (NP_056161.2, residues 203-223): ALQGPDSVPP[Gly213=]VVDAIYGALR

ClinVar aggregate classification (germline): Likely benign. Review status: criteria provided, multiple submitters, no conflicts (2 of 4 stars). 2 submissions from 2 submitters: Likely benign (2). Last evaluated 2026-04-01.

Conditions:
Spastic paraplegia. Identifiers: MedGen C0037772, HP:0001258.

Allele frequency attached by ClinVar (database versions not stated): gnomAD 0.00003 and 0.00004; gnomAD exomes 0.00009 and 0.00019; TOPMed 0.00013; ExAC 0.00020.
gnomAD v4.1: 59 of 1,614,080 alleles (0.0037%); highest among the groups gnomAD compares: Admixed American, 0.095%; no homozygotes.

Submissions (2):

CeGaT Center for Human Genetics Tuebingen
Classification: Likely benign. Last evaluated: 2026-04-01. Review status: criteria provided, single submitter. Criteria: CeGaT Center For Human Genetics Tuebingen Variant Classification Criteria Version 2. Collection method: clinical testing. Allele origin: germline. Affected: yes. Observed: 2 variant alleles.
Comment: ZFYVE26: BP4, BP7

Labcorp Genetics (formerly Invitae), Labcorp
Classification: Likely benign for Spastic paraplegia. Last evaluated: 2025-12-27. Review status: criteria provided, single submitter. Criteria: Invitae Variant Classification Sherloc (09022015). Collection method: clinical testing. Allele origin: germline.